The following is an entry in ClinVar:

ClinVar aggregate classification (germline): Uncertain significance (1 of 4 stars; one submission).

Conditions:
Congenital myopathy with internal nuclei and atypical cores. Also called: Myopathy, centronuclear, 4. Identifiers: Orphanet 319160, MedGen C4707232, MONDO:0013890, OMIM 614807.

Allele frequency attached by ClinVar (database versions not stated): gnomAD exomes below 0.00001; TOPMed below 0.00001; gnomAD 0.00001.
gnomAD v4.1: 3 of 1,607,740 alleles (0.00019%); highest among the groups gnomAD compares: African/African-American, 0.004%; no homozygotes.

Submission:

Labcorp Genetics (formerly Invitae), Labcorp
Classification: Uncertain significance for Congenital myopathy with internal nuclei and atypical cores. Last evaluated: 2022-07-19. Review status: criteria provided, single submitter. Criteria: Invitae Variant Classification Sherloc (09022015). Collection method: clinical testing. Allele origin: germline.
Comment: In summary, the available evidence is currently insufficient to determine the role of this variant in disease. Therefore, it has been classified as a Variant of Uncertain Significance. Variants that disrupt the consensus splice site are a relatively common cause of aberrant splicing (PMID: 17576681, 9536098). Algorithms developed to predict the effect of sequence changes on RNA splicing suggest that this variant may disrupt the consensus splice site. ClinVar contains an entry for this variant (Variation ID: 664865). This variant has not been reported in the literature in individuals affected with CCDC78-related conditions. This variant is present in population databases (no rsID available, gnomAD 0.007%). This sequence change falls in intron 5 of the CCDC78 gene. It does not directly change the encoded amino acid sequence of the CCDC78 protein. It affects a nucleotide within the consensus splice site.

Literature cited by the submitters: PubMed 17576681; PubMed 9536098.

NM_001378030.1(CCDC78):c.492+6T>C

Gene: CCDC78 (coiled-coil domain containing 78; minus strand). Cytogenetic location: 16p13.3.
Variant type: single nucleotide variant.
Coding change: c.492+6T>C on transcript NM_001378030.1 (MANE Select); 6 bases into the intron after coding-DNA position 492, T replaced by C.
Molecular consequence: intron variant. On other transcripts: synonymous variant (1).
Genome position (GRCh38, 1-based): chr16:725,231, A>G on the plus strand (T>C on the coding strand, the complement: CCDC78 is on the minus strand). VCF-style: chr16-725231-A-G. GRCh37 (hg19) VCF-style: chr16-775231-A-G.
Other names: c.45T>C, p.Ser15= (NM_001378033.1); c.492+6T>C (NM_001378031.1, NM_001031737.3).
Identifiers: ClinVar variation 664865 (VCV000664865.10), dbSNP rs1283039950, ClinGen allele CA620309223.